The following is an entry in ClinVar:

NM_004991.4(MECOM):c.2186A>G (p.Glu729Gly)

Gene: MECOM (MDS1 and EVI1 complex locus; minus strand). Cytogenetic location: 3q26.2.
Variant type: single nucleotide variant.
Coding change: c.2186A>G on transcript NM_004991.4 (MANE Select); coding-DNA position 2186, A replaced by G.
Protein change: p.Glu729Gly; replaces glutamic acid 729 with glycine.
Molecular consequence: missense variant.
Genome position (GRCh38, 1-based): chr3:169,115,686, T>C on the plus strand (A>G on the coding strand, the complement: MECOM is on the minus strand). VCF-style: chr3-169115686-T-C. GRCh37 (hg19) VCF-style: chr3-168833474-T-C.
Other names: c.1817A>G, p.Glu606Gly (NM_001105077.4); c.1622A>G, p.Glu541Gly (NM_001105078.4, NM_001164000.2, NM_001205194.2 and 4 more transcripts); c.1625A>G, p.Glu542Gly (NM_001163999.2, NM_001366467.2, NM_001366468.2 and 1 more transcripts); c.2186A>G, p.Glu729Gly (NM_001366466.2); c.1214A>G, p.Glu405Gly (NM_001366473.2); c.650A>G, p.Glu217Gly (NM_001366474.2); short protein forms E217G, E405G, E541G, E606G, E729G, E542G.
Identifiers: ClinVar variation 4053190 (VCV004053190.1).
Genomic context (GRCh38, chr3:169,115,686, plus strand): 5'-TTTCGCTTAGTGGTGAGATCAAAGGGGGACTCAGAGCTGCCCTTCTGCAGTTTCTTTACT[T>C]CACCTGGTGATTGGGGTTCCATTTTCAAAGGTAACGATCTCAAGTCTCTATCAGGAAATG-3'
Protein context (NP_004982.2, residues 719-739): PLKMEPQSPG[Glu729Gly]VKKLQKGSSE

ClinVar aggregate classification (germline): Uncertain significance (1 of 4 stars; one submission).

Conditions:
Inborn genetic diseases. Identifiers: MedGen C0950123, MeSH D030342.

Submission:

Ambry Genetics
Classification: Uncertain significance for Inborn genetic diseases. Last evaluated: 2025-04-16. Review status: criteria provided, single submitter. Criteria: Ambry Variant Classification Scheme 2023. Collection method: clinical testing. Allele origin: germline.
Comment: The p.E729G variant (also known as c.2186A>G), located in coding exon 8 of the MECOM gene, results from an A to G substitution at nucleotide position 2186. The glutamic acid at codon 729 is replaced by glycine, an amino acid with similar properties. This amino acid position is conserved. In addition, this alteration is predicted to be tolerated by in silico analysis. Based on the available evidence, the clinical significance of this variant remains unclear.